The following is an entry in ClinVar:

ClinVar aggregate classification (germline): Uncertain significance. Review status: criteria provided, multiple submitters, no conflicts (2 of 4 stars). 2 submissions from 2 submitters: Uncertain significance (2). Last evaluated 2026-04-28.

Submissions (2):

Ambry Genetics
Classification: Uncertain significance. Last evaluated: 2026-04-28. Review status: criteria provided, single submitter. Criteria: Ambry Variant Classification Scheme 2023. Collection method: clinical testing. Allele origin: germline.

Labcorp Genetics (formerly Invitae), Labcorp
Classification: Uncertain significance. Last evaluated: 2023-10-04. Review status: criteria provided, single submitter. Criteria: Invitae Variant Classification Sherloc (09022015). Collection method: clinical testing. Allele origin: germline.
Comment: This sequence change replaces isoleucine, which is neutral and non-polar, with methionine, which is neutral and non-polar, at codon 272 of the DRP2 protein (p.Ile272Met). This variant is not present in population databases (gnomAD no frequency). This variant has not been reported in the literature in individuals affected with DRP2-related conditions. Advanced modeling of protein sequence and biophysical properties (such as structural, functional, and spatial information, amino acid conservation, physicochemical variation, residue mobility, and thermodynamic stability) performed at Invitae indicates that this missense variant is not expected to disrupt DRP2 protein function. In summary, the available evidence is currently insufficient to determine the role of this variant in disease. Therefore, it has been classified as a Variant of Uncertain Significance.

NM_001939.3(DRP2):c.816C>G (p.Ile272Met)

Gene: DRP2 (dystrophin related protein 2; plus strand). Cytogenetic location: Xq22.1.
Variant type: single nucleotide variant.
Coding change: c.816C>G on transcript NM_001939.3 (MANE Select); coding-DNA position 816, C replaced by G.
Protein change: p.Ile272Met; replaces isoleucine 272 with methionine.
Molecular consequence: missense variant.
Genome position (GRCh38, 1-based): chrX:101,241,924, C>G. VCF-style: chrX-101241924-C-G. GRCh37 (hg19) VCF-style: chrX-100496913-C-G.
Other names: c.582C>G, p.Ile194Met (NM_001171184.2); c.816C>G (NM_001939.2); short protein forms I272M, I194M.
Identifiers: ClinVar variation 2878070 (VCV002878070.4), dbSNP rs2523069705, ClinGen allele CA413917986.